The following is an entry in ClinVar:

ClinVar aggregate classification (germline): Uncertain significance (1 of 4 stars; one submission).

Conditions:
Severe combined immunodeficiency due to DNA-PKcs deficiency. Also called: IMMUNODEFICIENCY 26 WITH NEUROLOGIC ABNORMALITIES; Immunodeficiency 26 with or without neurologic abnormalities. Identifiers: Orphanet 317425, MedGen C4014833, MONDO:0014423, OMIM 615966.

Submission:

Labcorp Genetics (formerly Invitae), Labcorp
Classification: Uncertain significance for Severe combined immunodeficiency due to DNA-PKcs deficiency. Last evaluated: 2023-02-09. Review status: criteria provided, single submitter. Criteria: Invitae Variant Classification Sherloc (09022015). Collection method: clinical testing. Allele origin: germline.
Comment: In summary, the available evidence is currently insufficient to determine the role of this variant in disease. Therefore, it has been classified as a Variant of Uncertain Significance. Advanced modeling of protein sequence and biophysical properties (such as structural, functional, and spatial information, amino acid conservation, physicochemical variation, residue mobility, and thermodynamic stability) performed at Invitae indicates that this missense variant is not expected to disrupt PRKDC protein function. This variant has not been reported in the literature in individuals affected with PRKDC-related conditions. This variant is not present in population databases (gnomAD no frequency). This sequence change replaces glycine, which is neutral and non-polar, with valine, which is neutral and non-polar, at codon 2021 of the PRKDC protein (p.Gly2021Val).

NM_006904.7(PRKDC):c.6062G>T (p.Gly2021Val)

Gene: PRKDC (protein kinase, DNA-activated, catalytic subunit; minus strand). Cytogenetic location: 8q11.21.
Variant type: single nucleotide variant.
Coding change: c.6062G>T on transcript NM_006904.7 (MANE Select); coding-DNA position 6062, G replaced by T.
Protein change: p.Gly2021Val; replaces glycine 2021 with valine.
Molecular consequence: missense variant.
Genome position (GRCh38, 1-based): chr8:47,859,756, C>A on the plus strand (G>T on the coding strand, the complement: PRKDC is on the minus strand). VCF-style: chr8-47859756-C-A. GRCh37 (hg19) VCF-style: chr8-48772317-C-A.
Other names: c.6062G>T, p.Gly2021Val (NM_001081640.2); short protein forms G2021V.
Identifiers: ClinVar variation 3005934 (VCV003005934.3), dbSNP rs1351826751, ClinGen allele CA371161431.